The following is an entry in ClinVar:

ClinVar aggregate classification (germline): Uncertain significance. Review status: criteria provided, multiple submitters, no conflicts (2 of 4 stars). 2 submissions from 2 submitters: Uncertain significance (2). Last evaluated 2023-03-07.

Conditions:
Germ cell tumor. Identifiers: MedGen C0205851, MONDO:0005040.

Allele frequency attached by ClinVar (database versions not stated): ExAC 0.00002; gnomAD 0.00003; TOPMed 0.00003.
gnomAD v4.1: 74 of 1,613,966 alleles (0.0046%); highest among the groups gnomAD compares: Non-Finnish European, 0.006%; no homozygotes.

Submissions (2):

Ambry Genetics
Classification: Uncertain significance. Last evaluated: 2023-03-07. Review status: criteria provided, single submitter. Criteria: Ambry Variant Classification Scheme 2023. Collection method: clinical testing. Allele origin: germline.

Laboratory of Medical Genetics Unit, Bambino Gesù Children's Hospital
Classification: Uncertain significance for Germ cell tumor. Review status: criteria provided, single submitter. Criteria: ACMG Guidelines, 2015. Collection method: research. Allele origin: germline. Affected: yes.
Comment: The variant NM_003579.4 (RAD54L): c.281G>C is rare in GnomAD and it is not reported in literature. It is annotated on Clinvar as VUS in not specified case [RCV004252903]. It is classified as VUS following the ACMG criteria (PM2).

NM_003579.4(RAD54L):c.281G>C (p.Gly94Ala)

Gene: RAD54L (RAD54 like; plus strand). Cytogenetic location: 1p34.1.
Variant type: single nucleotide variant.
Coding change: c.281G>C on transcript NM_003579.4 (MANE Select); coding-DNA position 281, G replaced by C.
Protein change: p.Gly94Ala; replaces glycine 94 with alanine.
Molecular consequence: missense variant. On other transcripts: 5 prime UTR variant (1).
Genome position (GRCh38, 1-based): chr1:46,259,973, G>C. VCF-style: chr1-46259973-G-C. GRCh37 (hg19) VCF-style: chr1-46725645-G-C.
Other names: c.281G>C, p.Gly94Ala (NM_001142548.2); c.-260G>C (NM_001370766.1); short protein forms G94A.
Identifiers: ClinVar variation 2458243 (VCV002458243.3), dbSNP rs771339264, ClinGen allele CA834203.